The following is an entry in ClinVar:

ClinVar aggregate classification (germline): Benign/Likely benign. Review status: criteria provided, multiple submitters, no conflicts (2 of 4 stars). 13 submissions from 13 submitters: Benign (9); Likely benign (4). Last evaluated 2026-01-19.

Conditions:
Hereditary cancer-predisposing syndrome. Also called: Neoplastic Syndromes, Hereditary; Hereditary neoplastic syndrome; Tumor predisposition; Hereditary Cancer Syndrome. Identifiers: Orphanet 140162, MedGen C0027672, MeSH D009386, MONDO:0015356.
Tuberous sclerosis syndrome (TSC). Also called: Tuberous Sclerosis Complex; Tuberous sclerosis. Identifiers: Orphanet 805, MedGen C0041341, MONDO:0001734.
Tuberous sclerosis 2 (TSC2). Identifiers: Orphanet 805, MedGen C1860707, MONDO:0013199, OMIM 613254.

Allele frequency attached by ClinVar (database versions not stated): ESP Exome Variant Server 0.00008; ExAC 0.00012; gnomAD 0.00012 and 0.00014; TOPMed 0.00013; gnomAD exomes 0.00015 and 0.00016.
gnomAD v4.1: 231 of 1,612,870 alleles (0.014%); highest among the groups gnomAD compares: Admixed American, 0.042%; no homozygotes.

Submissions (13):

Labcorp Genetics (formerly Invitae), Labcorp
Classification: Benign for Tuberous sclerosis 2. Last evaluated: 2026-01-19. Review status: criteria provided, single submitter. Criteria: Invitae Variant Classification Sherloc (09022015). Collection method: clinical testing. Allele origin: germline.

CeGaT Center for Human Genetics Tuebingen
Classification: Likely benign. Last evaluated: 2026-01-01. Review status: criteria provided, single submitter. Criteria: CeGaT Center For Human Genetics Tuebingen Variant Classification Criteria Version 2. Collection method: clinical testing. Allele origin: germline. Affected: yes. Observed: 2 variant alleles.
Comment: TSC2: BP4, BP7

Myriad Genetics, Inc.
Classification: Benign for Tuberous sclerosis 2. Last evaluated: 2025-05-29. Review status: criteria provided, single submitter. Criteria: Myriad Autosomal Dominant, Autosomal Recessive and X-Linked Classification Criteria (2023). Collection method: clinical testing. Allele origin: unknown.
Comment: This variant is considered benign. This variant is a silent/synonymous amino acid change and it is not expected to impact splicing.

KCCC/NGS Laboratory, Kuwait Cancer Control Center
Classification: Benign for Tuberous sclerosis 2. Last evaluated: 2025-02-01. Review status: criteria provided, single submitter. Criteria: ACMG Guidelines, 2015. Collection method: clinical testing. Allele origin: germline. Affected: no.

ARUP Laboratories, Molecular Genetics and Genomics, ARUP Laboratories
Classification: Benign. Last evaluated: 2024-10-22. Review status: criteria provided, single submitter. Criteria: ARUP Molecular Germline Variant Investigation Process 2024. Collection method: clinical testing. Allele origin: germline.

Blueprint Genetics
Classification: Likely benign. Last evaluated: 2024-10-14. Review status: criteria provided, single submitter. Criteria: ACMG Guidelines, 2015. Collection method: clinical testing. Allele origin: germline.

Athena Diagnostics
Classification: Benign. Last evaluated: 2024-09-05. Review status: criteria provided, single submitter. Criteria: Athena Diagnostics Criteria. Collection method: clinical testing. Allele origin: unknown.

Color Diagnostics, LLC DBA Color Health
Classification: Benign for Tuberous sclerosis syndrome. Last evaluated: 2022-10-02. Review status: criteria provided, single submitter. Criteria: ACMG Guidelines, 2015. Collection method: clinical testing. Allele origin: germline.

Genome-Nilou Lab
Classification: Benign for Tuberous sclerosis 2. Last evaluated: 2021-11-07. Review status: criteria provided, single submitter. Criteria: ACMG Guidelines, 2015. Collection method: clinical testing. Allele origin: germline. Affected: no.

Sema4
Classification: Likely benign for Hereditary cancer-predisposing syndrome. Last evaluated: 2020-09-03. Review status: criteria provided, single submitter. Criteria: Sema4 Curation Guidelines. Collection method: curation. Allele origin: germline.

GeneDx
Classification: Benign. Last evaluated: 2019-10-15. Review status: criteria provided, single submitter. Criteria: GeneDx Variant Classification Process June 2021. Collection method: clinical testing. Allele origin: germline. Affected: yes.
Comment: This variant is associated with the following publications: (PMID: 32211034)

Quest Diagnostics Nichols Institute San Juan Capistrano
Classification: Benign. Last evaluated: 2019-01-22. Review status: criteria provided, single submitter. Criteria: Quest Diagnostics criteria. Collection method: clinical testing. Allele origin: unknown.

Ambry Genetics
Classification: Likely benign for Hereditary cancer-predisposing syndrome. Last evaluated: 2015-11-02. Review status: criteria provided, single submitter. Criteria: Ambry Variant Classification Scheme 2023. Collection method: clinical testing. Allele origin: germline.

Literature cited by the submitters: PubMed 30787465 (cited by Athena Diagnostics).

NM_000548.5(TSC2):c.3489C>T (p.Ala1163=)

Gene: TSC2 (TSC complex subunit 2; plus strand). Cytogenetic location: 16p13.3.
Variant type: single nucleotide variant.
Coding change: c.3489C>T on transcript NM_000548.5 (MANE Select); coding-DNA position 3489, C replaced by T.
Protein change: p.Ala1163=; no amino-acid change (alanine 1163 retained).
Molecular consequence: synonymous variant.
Genome position (GRCh38, 1-based): chr16:2,080,256, C>T. VCF-style: chr16-2080256-C-T. GRCh37 (hg19) VCF-style: chr16-2130257-C-T.
Other names: c.3357C>T, p.Ala1119= (NM_001077183.3, NM_001370404.1); c.3489C>T, p.Ala1163= (NM_001114382.3); c.3249C>T, p.Ala1083= (NM_001318827.2); c.3213C>T, p.Ala1071= (NM_001318829.2); c.2757C>T, p.Ala919= (NM_001318831.2); c.3390C>T, p.Ala1130= (NM_001318832.2); c.3360C>T, p.Ala1120= (NM_001363528.2, NM_001370405.1, NM_021055.3); c.3489C>T (NM_000548.4).
Identifiers: ClinVar variation 381380 (VCV000381380.64), dbSNP rs200346578, ClinGen allele CA047150.